The following is an entry in ClinVar:

NM_000020.3(ACVRL1):c.1222A>T (p.Ile408Phe)

Gene: ACVRL1 (activin A receptor like type 1; plus strand). Cytogenetic location: 12q13.13.
Variant type: single nucleotide variant.
Coding change: c.1222A>T on transcript NM_000020.3 (MANE Select); coding-DNA position 1222, A replaced by T.
Protein change: p.Ile408Phe; replaces isoleucine 408 with phenylalanine.
Molecular consequence: missense variant. On other transcripts: intron variant (1).
Genome position (GRCh38, 1-based): chr12:51,916,209, A>T. VCF-style: chr12-51916209-A-T. GRCh37 (hg19) VCF-style: chr12-52309993-A-T.
Other names: c.1222A>T, p.Ile408Phe (NM_001077401.2, NM_001406487.1, NM_001406488.1 and 1 more transcripts); c.910A>T, p.Ile304Phe (NM_001406490.1, NM_001406491.1, NM_001406492.1 and 1 more transcripts); c.658A>T, p.Ile220Phe (NM_001406495.1); c.736+709A>T (NM_001406494.1); short protein forms I220F, I304F, I408F.
Identifiers: ClinVar variation 3773792 (VCV003773792.1).

ClinVar aggregate classification (germline): Uncertain significance (1 of 4 stars; one submission).

Conditions:
Hereditary hemorrhagic telangiectasia (HHT). Also called: Osler hemorrhagic telangiectasia syndrome; ORW DISEASE; Osler Weber Rendu syndrome; OSLER-RENDU-WEBER DISEASE. Identifiers: Orphanet 774, MedGen C0039445, MONDO:0019180. Disease mechanism: loss of function.

Submission:

Molecular Genetics, Royal Melbourne Hospital
Classification: Uncertain significance for Hereditary hemorrhagic telangiectasia. Last evaluated: 2024-09-08. Review status: criteria provided, single submitter. Criteria: ACMG Guidelines, 2015. Collection method: clinical testing. Allele origin: germline. Inheritance: Autosomal dominant inheritance. Affected: yes.
Comment: This sequence change in ACVRL1 is predicted to replace isoleucine with phenylalanine at codon 408, p.(Ile408Phe). The Ile408 residue is highly conserved (100 vertebrates, Multiz Alignments), and is located in the protein kinase domain. There is a small physicochemical difference between isoleucine with phenylalanine, but computational evidence predicts a deleterious effect for the missense substitution (REVEL = 0.91). ACVRL1, in which the variant was identified, is a gene with a low rate of benign missense where pathogenic missense variants are a common mechanism of disease (gnomAD v4.1). This variant is absent from the population database gnomAD v4.1. To our knowledge, this variant is novel and has not been previously reported in the relevant scientific literature or databases. Based on the classification scheme RMH Modified ACMG/AMP Guidelines v1.7.0, this variant is classified as a VARIANT OF UNCERTAIN SIGNIFICANCE. Following criteria are met: PM2_Supporting, PP2, PP3, PS4_Supporting.